The following is an entry in ClinVar:

NM_000282.4(PCCA):c.317C>A (p.Ala106Glu)

Gene: PCCA (propionyl-CoA carboxylase subunit alpha; plus strand). Cytogenetic location: 13q32.3.
Variant type: single nucleotide variant.
Coding change: c.317C>A on transcript NM_000282.4 (MANE Select); coding-DNA position 317, C replaced by A.
Protein change: p.Ala106Glu; replaces alanine 106 with glutamic acid.
Molecular consequence: missense variant. On other transcripts: 5 prime UTR variant (3), non-coding transcript variant (5).
Genome position (GRCh38, 1-based): chr13:100,154,995, C>A. VCF-style: chr13-100154995-C-A. GRCh37 (hg19) VCF-style: chr13-100807249-C-A.
Other names: c.239C>A, p.Ala80Glu (NM_001127692.3, NM_001352607.2, NM_001352608.2); c.317C>A, p.Ala106Glu (NM_001178004.2, NM_001352605.2, NM_001352606.2 and 1 more transcripts); c.-550C>A (NM_001352610.2, NM_001352611.2, NM_001352612.2); short protein forms A106E, A80E.
Identifiers: ClinVar variation 2428818 (VCV002428818.5), dbSNP rs765468519, ClinGen allele CA7033190.

ClinVar aggregate classification (germline): Pathogenic/Likely pathogenic. Review status: criteria provided, multiple submitters, no conflicts (2 of 4 stars). 2 submissions from 2 submitters: Pathogenic (1); Likely pathogenic (1). Last evaluated 2025-09-24.

Conditions:
Propionic acidemia (PROP). Also called: GLYCINEMIA, KETOTIC; HYPERGLYCINEMIA WITH KETOACIDOSIS AND LEUKOPENIA; KETOTIC HYPERGLYCINEMIA. Identifiers: Orphanet 35, MedGen C0268579, MONDO:0011628, OMIM 606054, HP:0003571.

Allele frequency attached by ClinVar (database versions not stated): TOPMed below 0.00001; ExAC 0.00001.
gnomAD v4.1: 2 of 1,613,096 alleles (0.00012%); highest among the groups gnomAD compares: Non-Finnish European, 0.00017%; no homozygotes.

Submissions (2):

Women's Health and Genetics/Laboratory Corporation of America, LabCorp
Classification: Likely pathogenic for Propionic acidemia. Last evaluated: 2025-09-24. Review status: criteria provided, single submitter. Criteria: LabCorp Variant Classification Summary - May 2015. Collection method: clinical testing. Allele origin: germline.
Comment: Variant summary: PCCA c.317C>A (p.Ala106Glu) results in a non-conservative amino acid change located in the Biotin carboxylase-like, N-terminal domain (IPR005481) of the encoded protein sequence. Algorithms developed to predict the effect of missense changes on protein structure and function all suggest that this variant is likely to be disruptive. The variant allele was found at a frequency of 4e-06 in 251470 control chromosomes. c.317C>A has been observed in individual(s) affected with Propionic Acidemia (Rivera-Barahona_2018, Zhang_2024). These data indicate that the variant may be associated with disease. At least one publication reports experimental evidence evaluating an impact on protein function. The most pronounced variant effect results in an absence of detectable protein and negligible protein activity when compared to wildtype (Rivera-Barahona_2018). The following publications have been ascertained in the context of this evaluation (PMID: 30274917, 38772378). ClinVar contains an entry for this variant (Variation ID: 2428818). Based on the evidence outlined above, the variant was classified as likely pathogenic.

GeneDx
Classification: Pathogenic. Last evaluated: 2022-08-03. Review status: criteria provided, single submitter. Criteria: GeneDx Variant Classification Process June 2021. Collection method: clinical testing. Allele origin: germline. Affected: yes.
Comment: Published functional studies demonstrate a damaging effect on enzyme activity and protein expression (Rivera-Barahona et al., 2018); Not observed at significant frequency in large population cohorts (gnomAD); In silico analysis supports that this missense variant has a deleterious effect on protein structure/function; This variant is associated with the following publications: (PMID: 30274917)

Literature cited by the submitters: PubMed 30274917 (cited by Women's Health and Genetics/Laboratory Corporation of America, LabCorp); PubMed 38772378 (cited by Women's Health and Genetics/Laboratory Corporation of America, LabCorp).